The following is an entry in ClinVar:

NM_001387220.1(IKZF2):c.1001A>G (p.His334Arg)

Gene: IKZF2 (IKAROS family zinc finger 2; minus strand). Cytogenetic location: 2q34.
Variant type: single nucleotide variant.
Coding change: c.1001A>G on transcript NM_001387220.1 (MANE Select); coding-DNA position 1001, A replaced by G.
Protein change: p.His334Arg; replaces histidine 334 with arginine.
Molecular consequence: missense variant.
Genome position (GRCh38, 1-based): chr2:213,007,940, T>C on the plus strand (A>G on the coding strand, the complement: IKZF2 is on the minus strand). VCF-style: chr2-213007940-T-C. GRCh37 (hg19) VCF-style: chr2-213872664-T-C.
Other names: c.923A>G, p.His308Arg (NM_001079526.2, NM_001371275.1, NM_001371276.1); c.1001A>G, p.His334Arg (NM_001371274.1, NM_016260.3); c.776A>G, p.His259Arg (NM_001371277.1); short protein forms H259R, H308R, H334R.
Identifiers: ClinVar variation 3025580 (VCV003025580.22), dbSNP rs753973589, ClinGen allele CA2088727.

ClinVar aggregate classification (germline): Uncertain significance (1 of 4 stars; one submission).

Allele frequency attached by ClinVar (database versions not stated): ExAC 0.00001; TOPMed 0.00001.
gnomAD v4.1: 16 of 1,613,478 alleles (0.00099%); highest among the groups gnomAD compares: Non-Finnish European, 0.0013%; no homozygotes.

Submission:

CeGaT Center for Human Genetics Tuebingen
Classification: Uncertain significance. Last evaluated: 2023-12-01. Review status: criteria provided, single submitter. Criteria: CeGaT Center For Human Genetics Tuebingen Variant Classification Criteria Version 2. Collection method: clinical testing. Allele origin: germline. Affected: yes. Observed: 1 variant allele.
Comment: IKZF2: PM2